The following is an entry in ClinVar:

ClinVar aggregate classification (germline): Uncertain significance (1 of 4 stars; one submission).

Conditions:
Seizures, benign familial infantile, 3 (BFIS3). Also called: Familial neonatal seizures; CONVULSIONS, BENIGN FAMILIAL INFANTILE, 3. Identifiers: Orphanet 140927, Orphanet 306, MedGen C1843140, MONDO:0011904, OMIM 607745.
Developmental and epileptic encephalopathy, 11 (DEE11). Also called: Early infantile epileptic encephalopathy 11. Identifiers: Orphanet 1934, MedGen C3150987, MONDO:0013388, OMIM 613721.

gnomAD v4.1: 1 of 1,613,974 alleles (0.000062%); highest among the groups gnomAD compares: Non-Finnish European, 0.000085%; no homozygotes.

Submission:

Labcorp Genetics (formerly Invitae), Labcorp
Classification: Uncertain significance for Seizures, benign familial infantile, 3; Developmental and epileptic encephalopathy, 11. Last evaluated: 2023-11-27. Review status: criteria provided, single submitter. Criteria: Invitae Variant Classification Sherloc (09022015). Collection method: clinical testing. Allele origin: germline.
Comment: This sequence change replaces aspartic acid, which is acidic and polar, with glutamic acid, which is acidic and polar, at codon 1732 of the SCN2A protein (p.Asp1732Glu). This variant is not present in population databases (gnomAD no frequency). This variant has not been reported in the literature in individuals affected with SCN2A-related conditions. ClinVar contains an entry for this variant (Variation ID: 1412666). Advanced modeling of protein sequence and biophysical properties (such as structural, functional, and spatial information, amino acid conservation, physicochemical variation, residue mobility, and thermodynamic stability) has been performed at Invitae for this missense variant, however the output from this modeling did not meet the statistical confidence thresholds required to predict the impact of this variant on SCN2A protein function. In summary, the available evidence is currently insufficient to determine the role of this variant in disease. Therefore, it has been classified as a Variant of Uncertain Significance.

NM_001040142.2(SCN2A):c.5196C>A (p.Asp1732Glu)

Gene: SCN2A (sodium voltage-gated channel alpha subunit 2; plus strand). Cytogenetic location: 2q24.3.
Variant type: single nucleotide variant.
Coding change: c.5196C>A on transcript NM_001040142.2 (MANE Select); coding-DNA position 5196, C replaced by A.
Protein change: p.Asp1732Glu; replaces aspartic acid 1732 with glutamic acid.
Molecular consequence: missense variant.
Genome position (GRCh38, 1-based): chr2:165,389,002, C>A. VCF-style: chr2-165389002-C-A. GRCh37 (hg19) VCF-style: chr2-166245512-C-A.
Other names: c.5196C>A, p.Asp1732Glu (NM_001040143.2, NM_001371246.1, NM_001371247.1 and 1 more transcripts); short protein forms D1732E.
Identifiers: ClinVar variation 1412666 (VCV001412666.6), dbSNP rs766372407, ClinGen allele CA349038420.